The following is an entry in ClinVar:

NM_000059.4(BRCA2):c.6476A>G (p.Gln2159Arg)

Gene: BRCA2 (BRCA2 DNA repair associated; plus strand). Cytogenetic location: 13q13.1.
Variant type: single nucleotide variant.
Coding change: c.6476A>G on transcript NM_000059.4 (MANE Select); coding-DNA position 6476, A replaced by G.
Protein change: p.Gln2159Arg; replaces glutamine 2159 with arginine.
Molecular consequence: missense variant.
Genome position (GRCh38, 1-based): chr13:32,340,831, A>G. VCF-style: chr13-32340831-A-G. GRCh37 (hg19) VCF-style: chr13-32914968-A-G.
Other names: short protein forms Q2159R.
Identifiers: ClinVar variation 409447 (VCV000409447.22), dbSNP rs763486267, ClinGen allele CA16614195.

ClinVar aggregate classification (germline): Conflicting classifications of pathogenicity. Review status: criteria provided, conflicting classifications (1 of 4 stars). 5 submissions from 5 submitters: Uncertain significance (3); Likely benign (2). Last evaluated 2025-03-04.

Conditions:
Hereditary breast ovarian cancer syndrome. Also called: Hereditary breast and ovarian cancer; Hereditary breast and/or ovarian cancer syndrome; BRCA1- and BRCA2-Associated Hereditary Breast and Ovarian Cancer; Hereditary breast and ovarian cancer syndrome; Hereditary breast and ovarian cancer syndrome (HBOC); Breast and ovarian cancer. Identifiers: Orphanet 145, MedGen C0677776, MeSH D061325, MONDO:0003582. Disease mechanism: loss of function.
Hereditary cancer-predisposing syndrome. Also called: Tumor predisposition; Hereditary Cancer Syndrome; Hereditary neoplastic syndrome; Neoplastic Syndromes, Hereditary. Identifiers: Orphanet 140162, MedGen C0027672, MeSH D009386, MONDO:0015356.

gnomAD v4.1: 1 of 1,590,168 alleles (0.000063%); no homozygotes.

Submissions (5):

Center for Genomic Medicine, Rigshospitalet, Copenhagen University Hospital
Classification: Likely benign. Last evaluated: 2025-03-04. Review status: criteria provided, single submitter. Criteria: ACMG Guidelines, 2015. Collection method: clinical testing. Allele origin: germline.

Color Diagnostics, LLC DBA Color Health
Classification: Uncertain significance for Hereditary cancer-predisposing syndrome. Last evaluated: 2023-07-17. Review status: criteria provided, single submitter. Criteria: ACMG Guidelines, 2015. Collection method: clinical testing. Allele origin: germline.
Comment: This missense variant replaces glutamine with arginine at codon 2159 of the BRCA2 protein. Computational prediction suggests that this variant may not impact protein structure and function (internally defined REVEL score threshold <= 0.5, PMID: 27666373). To our knowledge, functional studies have not been reported for this variant. This variant has not been reported in individuals affected with BRCA2-related disorders in the literature. This variant has been identified in 1/229630 chromosomes in the general population by the Genome Aggregation Database (gnomAD). The available evidence is insufficient to determine the role of this variant in disease conclusively. Therefore, this variant is classified as a Variant of Uncertain Significance.

University of Washington Department of Laboratory Medicine, University of Washington
Classification: Likely benign for Hereditary cancer-predisposing syndrome. Last evaluated: 2023-03-23. Review status: criteria provided, single submitter. Criteria: Dines et al. (Genet Med. 2020). Collection method: curation. Allele origin: germline.
Comment: Missense variant in a coldspot region where missense variants are very unlikely to be pathogenic (PMID:31911673).

BRCA2 exon 11 coldspot. Reclassification based on statistical prior probability.

Ambry Genetics
Classification: Uncertain significance for Hereditary cancer-predisposing syndrome. Last evaluated: 2022-09-11. Review status: criteria provided, single submitter. Criteria: Ambry Variant Classification Scheme 2023. Collection method: clinical testing. Allele origin: germline.
Comment: The p.Q2159R variant (also known as c.6476A>G), located in coding exon 10 of the BRCA2 gene, results from an A to G substitution at nucleotide position 6476. The glutamine at codon 2159 is replaced by arginine, an amino acid with highly similar properties. This variant was not reported in population based cohorts in the following databases: Database of Single Nucleotide Polymorphisms (dbSNP), NHLBI Exome Sequencing Project (ESP), and 1000 Genomes Project. In the ESP, this variant was not observed in 6499 samples (12998 alleles) with coverage at this position. To date, this alteration has been detected with an allele frequency of approximately 0.0003% (greater than 300000 alleles tested) in our clinical cohort. This amino acid position is poorly conserved in available vertebrate species. In addition, this alteration is predicted to be tolerated by in silico analysis. Since supporting evidence is limited at this time, the clinical significance of this alteration remains unclear.

Labcorp Genetics (formerly Invitae), Labcorp
Classification: Uncertain significance for Hereditary breast ovarian cancer syndrome. Last evaluated: 2020-06-09. Review status: criteria provided, single submitter. Criteria: Invitae Variant Classification Sherloc (09022015). Collection method: clinical testing. Allele origin: germline.
Comment: In summary, this variant is a novel missense change that is not predicted to affect protein function. There is no indication that it causes disease, but the available evidence is currently insufficient to prove that conclusively. Therefore, it has been classified as a Variant of Uncertain Significance. Algorithms developed to predict the effect of missense changes on protein structure and function (SIFT, PolyPhen-2, Align-GVGD) all suggest that this variant is likely to be tolerated, but these predictions have not been confirmed by published functional studies. This variant is not present in population databases (ExAC no frequency) and has not been reported in the literature in individuals with a BRCA2-related disease. This sequence change replaces glutamine with arginine at codon 2159 of the BRCA2 protein (p.Gln2159Arg). The glutamine residue is weakly conserved and there is a small physicochemical difference between glutamine and arginine.